The following is an entry in ClinVar:

ClinVar aggregate classification (germline): Pathogenic. Review status: reviewed by expert panel (3 of 4 stars). 5 submissions from 5 submitters: Pathogenic (1). 4 of the submissions do not count toward it. Last evaluated 2013-09-05.

Conditions:
Hereditary nonpolyposis colorectal neoplasms. Identifiers: MedGen C0009405, MeSH D003123.
Hereditary cancer-predisposing syndrome. Also called: Neoplastic Syndromes, Hereditary; Hereditary neoplastic syndrome; Hereditary Cancer Syndrome; Tumor predisposition. Identifiers: Orphanet 140162, MedGen C0027672, MeSH D009386, MONDO:0015356.
Lynch syndrome. Identifiers: Orphanet 144, MedGen C4552100, MONDO:0005835. Disease mechanism: loss of function.
Mismatch repair cancer syndrome 1 (MMRCS1). Also called: BRAIN TUMOR-POLYPOSIS SYNDROME 1; BTP1 SYNDROME; CHILDHOOD CANCER SYNDROME; MISMATCH REPAIR DEFICIENCY; MMR DEFICIENCY. Identifiers: Orphanet 252202, MedGen C5399763, MONDO:0010159, OMIM 276300. Disease mechanism: loss of function.

Allele frequency attached by ClinVar (database versions not stated): TOPMed 0.00001; gnomAD 0.00001.

Submissions (5):

International Society for Gastrointestinal Hereditary Tumours (InSiGHT)
Classification: Pathogenic for Lynch Syndrome. Last evaluated: 2013-09-05. Review status: reviewed by expert panel. Criteria: Guidelines v1.9. Collection method: research. Allele origin: germline.
Comment: Coding sequence variation resulting in a stop codon

Classified with v1.9 guidelines

GeneDx
Classification: Pathogenic. Last evaluated: 2026-04-09. Review status: criteria provided, single submitter. Criteria: GeneDx Variant Classification Process June 2021. Collection method: clinical testing. Allele origin: germline. Not counted in ClinVar's aggregate classification.
Comment: Not observed at significant frequency in large population cohorts (gnomAD); Truncating variants in this gene are considered pathogenic by a well-established clinical consortium and/or database; Also known as c.592_593insT; Frameshift variant predicted to result in protein truncation or nonsense mediated decay in a gene for which loss of function is a known mechanism of disease; This variant is associated with the following publications: (PMID: 18602922, 26147798, 20682701)

Department of Pathology and Laboratory Medicine, Sinai Health System
Classification: Likely pathogenic for mismatch repair cancer syndrome 1. Last evaluated: 2025-01-13. Review status: criteria provided, single submitter. Criteria: ACMG Guidelines, 2015. Collection method: clinical testing. Allele origin: germline. Not counted in ClinVar's aggregate classification.

Labcorp Genetics (formerly Invitae), Labcorp
Classification: Pathogenic for Hereditary nonpolyposis colorectal neoplasms. Last evaluated: 2024-07-30. Review status: criteria provided, single submitter. Criteria: Invitae Variant Classification Sherloc (09022015). Collection method: clinical testing. Allele origin: germline. Not counted in ClinVar's aggregate classification.
Comment: This sequence change creates a premature translational stop signal (p.Arg199Profs*50) in the PMS2 gene. It is expected to result in an absent or disrupted protein product. Loss-of-function variants in PMS2 are known to be pathogenic (PMID: 21376568, 24362816). This variant is not present in population databases (gnomAD no frequency). This premature translational stop signal has been observed in individual(s) with Lynch syndrome (PMID: 18602922). ClinVar contains an entry for this variant (Variation ID: 91360). For these reasons, this variant has been classified as Pathogenic.

Ambry Genetics
Classification: Pathogenic for Hereditary cancer-predisposing syndrome. Last evaluated: 2022-10-17. Review status: criteria provided, single submitter. Criteria: Ambry Variant Classification Scheme 2023. Collection method: clinical testing. Allele origin: germline. Not counted in ClinVar's aggregate classification.
Comment: The c.593dupT pathogenic mutation, located in coding exon 6 of the PMS2 gene, results from a duplication of T at nucleotide position 593, causing a translational frameshift with a predicted alternate stop codon (p.R199Pfs*50). This variant (described as c.592_593insT) has been identified in a proband who met Amsterdam I criteria for Lynch syndrome and tumor demonstrated high microsatellite instability with deficient PMS2 expression by immunohistochemistry (Woods MO et al. Gut, 2010 Oct;59:1369-77). This variant is considered to be rare based on population cohorts in the Genome Aggregation Database (gnomAD). This alteration is expected to result in loss of function by premature protein truncation or nonsense-mediated mRNA decay. As such, this alteration is interpreted as a disease-causing mutation.

Literature cited by the submitters: PubMed 20682701 (cited by Department of Pathology and Laboratory Medicine, Sinai Health System and Ambry Genetics); PubMed 21376568 (cited by Labcorp Genetics (formerly Invitae), Labcorp); PubMed 24362816 (cited by Labcorp Genetics (formerly Invitae), Labcorp); PubMed 18602922 (cited by Labcorp Genetics (formerly Invitae), Labcorp and Ambry Genetics).

NM_000535.7(PMS2):c.593dup (p.Arg199fs)

Gene: PMS2 (PMS1 homolog 2, mismatch repair system component; minus strand). Cytogenetic location: 7p22.1.
Variant type: Duplication.
Coding change: c.593dup on transcript NM_000535.7 (MANE Select); coding-DNA position 593, one base duplicated (T; older notation c.593dupT).
Protein change: p.Arg199fs; shifts the reading frame from arginine 199.
Molecular consequence: frameshift variant. On other transcripts: 5 prime UTR variant (2), non-coding transcript variant (1), intron variant (1).
Genome position (GRCh38, 1-based): chr7:5,999,220, A duplicated on the plus strand (T on the coding strand, the reverse complement: PMS2 is on the minus strand). VCF-style (leftmost placement, unchanged base first): chr7-5999219-G-GA. GRCh37 (hg19) VCF-style: chr7-6038850-G-GA.
Other names: c.188dup, p.Arg64fs (NM_001322003.2, NM_001322004.2, NM_001322005.2 and 2 more transcripts); c.593dup, p.Arg199fs (NM_001322006.2, NM_001322014.2); c.275dup, p.Arg93fs (NM_001322007.2, NM_001322008.2); c.-341dup (NM_001322011.2, NM_001322012.2); c.284dup, p.Arg96fs (NM_001322015.2); c.133-1797dup (NM_001322013.2); short protein forms R93fs, R96fs, R64fs, R199fs.
Identifiers: ClinVar variation 91360 (VCV000091360.9), dbSNP rs267608148, ClinGen allele CA331766.